The following is an entry in ClinVar:

NM_001368067.1(LDB3):c.430G>A (p.Gly144Ser)

Genes: LDB3 (LIM domain binding 3; plus strand), LOC110121486 (VISTA enhancer hs2143; plus strand). Cytogenetic location: 10q23.2.
Variant type: single nucleotide variant.
Coding change: c.430G>A on transcript NM_001368067.1 (MANE Plus Clinical); coding-DNA position 430, G replaced by A.
Protein change: p.Gly144Ser; replaces glycine 144 with serine.
Molecular consequence: missense variant. On other transcripts: intron variant (5).
Genome position (GRCh38, 1-based): chr10:86,687,154, G>A. VCF-style: chr10-86687154-G-A. GRCh37 (hg19) VCF-style: chr10-88446911-G-A.
Other names: c.430G>A, p.Gly144Ser (NM_001080114.2, NM_001080116.1, NM_001368066.1 and 1 more transcripts); c.775G>A, p.Gly259Ser (NM_001171610.2, NM_001171611.2); c.690-4742G>A (NM_001368064.1, NM_001368063.1, NM_007078.3 and 2 more transcripts); short protein forms G144S, G259S.
Identifiers: ClinVar variation 522902 (VCV000522902.58), dbSNP rs915830221, ClinGen allele CA211181189.
Genomic context (GRCh38, chr10:86,687,154, plus strand): 5'-CCCAGTGCCCTGAAGGACTCGGCCCTGTCCACCCACAAGCCCATCGAGGTGAAGGGGCTG[G>A]GCGGCAAGGCCACCATCATCCATGCGCAGTACAACACGCCCATCAGCATGTATTCCCAGG-3'
Protein context (NP_001354996.1, residues 134-154): THKPIEVKGL[Gly144Ser]GKATIIHAQY

ClinVar aggregate classification (germline): Uncertain significance. Review status: criteria provided, multiple submitters, no conflicts (2 of 4 stars). 4 submissions from 4 submitters: Uncertain significance (4). Last evaluated 2025-08-18.

Conditions:
Left ventricular noncompaction 1 (LVNC1). Also called: LEFT VENTRICULAR NONCOMPACTION 1 WITH OR WITHOUT CONGENITAL HEART DEFECTS. Identifiers: Orphanet 54260, MedGen C1858725, MONDO:0011403, OMIM 604169.
Myofibrillar myopathy 4. Also called: Zaspopathy (type). Identifiers: Orphanet 98912, MedGen C4721886, MONDO:0012277, OMIM 609452.

Allele frequency attached by ClinVar (database versions not stated): gnomAD exomes below 0.00001 and 0.00001; gnomAD 0.00001 and 0.00002; TOPMed 0.00003.
gnomAD v4.1: 16 of 1,614,092 alleles (0.00099%); highest among the groups gnomAD compares: Middle Eastern, 0.016%; no homozygotes.

Submissions (4):

Labcorp Genetics (formerly Invitae), Labcorp
Classification: Uncertain significance for Myofibrillar myopathy 4. Last evaluated: 2025-08-18. Review status: criteria provided, single submitter. Criteria: Invitae Variant Classification Sherloc (09022015). Collection method: clinical testing. Allele origin: germline.
Comment: This sequence change replaces glycine, which is neutral and non-polar, with serine, which is neutral and polar, at codon 144 of the LDB3 protein (p.Gly144Ser). This variant is present in population databases (no rsID available, gnomAD no frequency). This variant has not been reported in the literature in individuals affected with LDB3-related conditions. ClinVar contains an entry for this variant (Variation ID: 522902). An algorithm developed to predict the effect of missense changes on protein structure and function (PolyPhen-2) suggests that this variant is likely to be tolerated. In summary, the available evidence is currently insufficient to determine the role of this variant in disease. Therefore, it has been classified as a Variant of Uncertain Significance.

Revvity Omics, Revvity
Classification: Uncertain significance. Last evaluated: 2024-12-24. Review status: criteria provided, single submitter. Criteria: ACMG Guidelines, 2015. Collection method: clinical testing. Allele origin: germline.

CeGaT Center for Human Genetics Tuebingen
Classification: Uncertain significance. Last evaluated: 2018-07-01. Review status: criteria provided, single submitter. Criteria: CeGaT Center For Human Genetics Tuebingen Variant Classification Criteria Version 2. Collection method: clinical testing. Allele origin: germline. Affected: yes. Observed: 1 variant allele.

Genomic Research Center, Shahid Beheshti University of Medical Sciences
Classification: Uncertain significance for Left ventricular noncompaction 1. Last evaluated: 2017-12-18. Review status: criteria provided, single submitter. Criteria: ACMG Guidelines, 2015. Collection method: clinical testing. Allele origin: inherited.